The following is an entry in ClinVar:

NM_005159.5(ACTC1):c.795G>T (p.Gln265His)

Genes: ACTC1 (actin alpha cardiac muscle 1; minus strand), GJD2-DT (GJD2 divergent transcript; plus strand). Cytogenetic location: 15q14.
Variant type: single nucleotide variant.
Coding change: c.795G>T on transcript NM_005159.5 (MANE Select); coding-DNA position 795, G replaced by T.
Protein change: p.Gln265His; replaces glutamine 265 with histidine.
Molecular consequence: missense variant.
Genome position (GRCh38, 1-based): chr15:34,792,103, C>A on the plus strand (G>T on the coding strand, the complement: ACTC1 is on the minus strand). VCF-style: chr15-34792103-C-A. GRCh37 (hg19) VCF-style: chr15-35084304-C-A.
Other names: c.795G>T, p.Gln265His (NM_001406482.1, NM_001406483.1); c.660G>T, p.Gln220His (NM_001406484.1); c.354G>T, p.Gln118His (NM_001406485.1); short protein forms Q118H, Q220H, Q265H.
Identifiers: ClinVar variation 3364826 (VCV003364826.2).

ClinVar aggregate classification (germline): Uncertain significance (1 of 4 stars; one submission).

Submission:

GeneDx
Classification: Uncertain significance. Last evaluated: 2026-02-20. Review status: criteria provided, single submitter. Criteria: GeneDx Variant Classification Process June 2021. Collection method: clinical testing. Allele origin: germline.
Comment: Not observed at significant frequency in large population cohorts (gnomAD); In silico analysis supports that this missense variant has a deleterious effect on protein structure/function; Has not been previously published as pathogenic or benign to our knowledge